The following is an entry in ClinVar:

ClinVar aggregate classification (germline): Uncertain significance (1 of 4 stars; one submission).

Submission:

Women's Health and Genetics/Laboratory Corporation of America, LabCorp
Classification: Uncertain significance. Last evaluated: 2020-03-13. Review status: criteria provided, single submitter. Criteria: LabCorp Variant Classification Summary - May 2015. Collection method: clinical testing. Allele origin: germline.
Comment: Variant summary: COL6A1 c.1801A>C (p.Met601Leu) results in a conservative amino acid change in the encoded protein sequence. Three of five in-silico tools predict a damaging effect of the variant on protein function. The variant was absent in 251392 control chromosomes (gnomAD). The available data on variant occurrences in the general population are insufficient to allow any conclusion about variant significance. To our knowledge, no occurrence of c.1801A>C in individuals affected with Collagen Type VI-Related Disorders and no experimental evidence demonstrating its impact on protein function have been reported. No clinical diagnostic laboratories have submitted clinical-significance assessments for this variant to ClinVar after 2014. Based on the evidence outlined above, the variant was classified as uncertain significance.

NM_001848.3(COL6A1):c.1801A>C (p.Met601Leu)

Gene: COL6A1 (collagen type VI alpha 1 chain; plus strand). Cytogenetic location: 21q22.3.
Variant type: single nucleotide variant.
Coding change: c.1801A>C on transcript NM_001848.3 (MANE Select); coding-DNA position 1801, A replaced by C.
Protein change: p.Met601Leu; replaces methionine 601 with leucine.
Molecular consequence: missense variant.
Genome position (GRCh38, 1-based): chr21:46,000,355, A>C. VCF-style: chr21-46000355-A-C. GRCh37 (hg19) VCF-style: chr21-47420269-A-C.
Other names: short protein forms M601L.
Identifiers: ClinVar variation 918089 (VCV000918089.1), dbSNP rs774610686, ClinGen allele CA410532213.